The following is an entry in ClinVar:

NM_030943.4(AMN):c.651+3G>T

Gene: AMN (amnion associated transmembrane protein; plus strand). Cytogenetic location: 14q32.32.
Variant type: single nucleotide variant.
Coding change: c.651+3G>T on transcript NM_030943.4 (MANE Select); 3 bases into the intron after coding-DNA position 651, G replaced by T.
Molecular consequence: intron variant.
Genome position (GRCh38, 1-based): chr14:102,929,261, G>T. VCF-style: chr14-102929261-G-T. GRCh37 (hg19) VCF-style: chr14-103395598-G-T.
Identifiers: ClinVar variation 1393392 (VCV001393392.5), dbSNP rs751723677, ClinGen allele CA7359984.

ClinVar aggregate classification (germline): Uncertain significance. Review status: criteria provided, multiple submitters, no conflicts (2 of 4 stars). 2 submissions from 2 submitters: Uncertain significance (2). Last evaluated 2024-03-20.

Conditions:
Imerslund-Grasbeck syndrome type 2. Also called: Megaloblastic anemia 1, Norwegian type; Imerslund-Gräsbeck syndrome 2; MEGALOBLASTIC ANEMIA, NORWEGIAN TYPE. Identifiers: MedGen C4016948, MONDO:0100157, OMIM 618882.
Imerslund-Grasbeck syndrome. Also called: ENTEROCYTE COBALAMIN MALABSORPTION; ENTEROCYTE INTRINSIC FACTOR RECEPTOR, DEFECT OF; Megaloblastic anemia due to inborn errors of metabolism; Imerslund-Gräsbeck syndrome; PERNICIOUS ANEMIA, JUVENILE, DUE TO SELECTIVE INTESTINAL MALABSORPTION OF VITAMIN B12, WITH PROTEINURIA. Identifiers: Orphanet 35858, MedGen C4551825, MONDO:0009853.

Allele frequency attached by ClinVar (database versions not stated): gnomAD exomes 0.00004; gnomAD 0.00032 and 0.00034; TOPMed 0.00033; 1000 Genomes Project 30x 0.00047.
gnomAD v4.1: 73 of 1,470,234 alleles (0.005%); highest among the groups gnomAD compares: African/African-American, 0.099%; no homozygotes.

Submissions (2):

Fulgent Genetics
Classification: Uncertain significance for Imerslund-Grasbeck syndrome type 2. Last evaluated: 2024-03-20. Review status: criteria provided, single submitter. Criteria: ACMG Guidelines, 2015. Collection method: clinical testing. Allele origin: germline.

Labcorp Genetics (formerly Invitae), Labcorp
Classification: Uncertain significance for Imerslund-Grasbeck syndrome. Last evaluated: 2021-05-12. Review status: criteria provided, single submitter. Criteria: Invitae Variant Classification Sherloc (09022015). Collection method: clinical testing. Allele origin: germline.
Comment: This sequence change falls in intron 6 of the AMN gene. It does not directly change the encoded amino acid sequence of the AMN protein. It affects a nucleotide within the consensus splice site of the intron. The frequency data for this variant in the population databases is considered unreliable, as metrics indicate poor data quality at this position in the ExAC database. This variant has not been reported in the literature in individuals with AMN-related conditions. Nucleotide substitutions within the consensus splice site are a relatively common cause of aberrant splicing (PMID: 17576681, 9536098). Algorithms developed to predict the effect of sequence changes on RNA splicing suggest that this variant may disrupt the consensus splice site, but this prediction has not been confirmed by published transcriptional studies. In summary, the available evidence is currently insufficient to determine the role of this variant in disease. Therefore, it has been classified as a Variant of Uncertain Significance.

Literature cited by the submitters: PubMed 17576681 (cited by Labcorp Genetics (formerly Invitae), Labcorp); PubMed 9536098 (cited by Labcorp Genetics (formerly Invitae), Labcorp).